The following is an entry in ClinVar:

ClinVar aggregate classification (germline): Uncertain significance. Review status: criteria provided, multiple submitters, no conflicts (2 of 4 stars). 2 submissions from 2 submitters: Uncertain significance (2). Last evaluated 2025-11-10.

Conditions:
Partial hypoxanthine-guanine phosphoribosyltransferase deficiency. Also called: HPRT1 DEFICIENCY, PARTIAL; GOUT, HPRT-RELATED; HPRT DEFICIENCY, PARTIAL; HYPOXANTHINE GUANINE PHOSPHORIBOSYLTRANSFERASE 1 DEFICIENCY, PARTIAL; Kelley-Seegmiller Syndrome. Identifiers: Orphanet 79233, MedGen C0268117, MONDO:0010299, OMIM 300323.
Lesch-Nyhan syndrome (LNS). Also called: HPRT DEFICIENCY, COMPLETE; Lesch-Nyhan Disease (LND). Identifiers: Orphanet 510, MedGen C0023374, MONDO:0010298, OMIM 300322.
HPRT1-related disorder. Also called: HPRT1-related disorders; HPRT1-related condition.

Submissions (2):

PreventionGenetics, part of Exact Sciences
Classification: Uncertain significance for HPRT1-related condition. Last evaluated: 2025-11-10. Review status: criteria provided, single submitter. Criteria: ACMG Guidelines, 2015. Collection method: clinical testing. Allele origin: germline.
Comment: The HPRT1 c.355G>A variant is predicted to result in the amino acid substitution p.Gly119Arg. To our knowledge, this variant has not been reported in the literature or in a large population database (gnomAD), indicating this variant is rare. At this time, the clinical significance of this variant is uncertain due to the absence of conclusive functional and genetic evidence.

Labcorp Genetics (formerly Invitae), Labcorp
Classification: Uncertain significance for Lesch-Nyhan syndrome; Partial hypoxanthine-guanine phosphoribosyltransferase deficiency. Last evaluated: 2020-02-26. Review status: criteria provided, single submitter. Criteria: Invitae Variant Classification Sherloc (09022015). Collection method: clinical testing. Allele origin: germline.
Comment: This sequence change replaces glycine with arginine at codon 119 of the HPRT1 protein (p.Gly119Arg). The glycine residue is highly conserved and there is a moderate physicochemical difference between glycine and arginine. This variant is not present in population databases (ExAC no frequency). This variant has not been reported in the literature in individuals with HPRT1-related conditions. Algorithms developed to predict the effect of missense changes on protein structure and function are either unavailable or do not agree on the potential impact of this missense change (SIFT: "Tolerated"; PolyPhen-2: "Probably Damaging"; Align-GVGD: "Class C0"). In summary, the available evidence is currently insufficient to determine the role of this variant in disease. Therefore, it has been classified as a Variant of Uncertain Significance.

NM_000194.3(HPRT1):c.355G>A (p.Gly119Arg)

Gene: HPRT1 (hypoxanthine phosphoribosyltransferase 1; plus strand). Cytogenetic location: Xq26.2.
Variant type: single nucleotide variant.
Coding change: c.355G>A on transcript NM_000194.3 (MANE Select); coding-DNA position 355, G replaced by A.
Protein change: p.Gly119Arg; replaces glycine 119 with arginine.
Molecular consequence: missense variant.
Genome position (GRCh38, 1-based): chrX:134,486,501, G>A. VCF-style: chrX-134486501-G-A. GRCh37 (hg19) VCF-style: chrX-133620531-G-A.
Other names: c.355G>A (NM_000194.2); short protein forms G119R.
Identifiers: ClinVar variation 1011699 (VCV001011699.12), dbSNP rs2077653297, ClinGen allele CA414713682.